The following is an entry in ClinVar:

NM_014003.4(DHX38):c.3599G>A (p.Arg1200Lys)

Gene: DHX38 (DEAH-box helicase 38; plus strand). Cytogenetic location: 16q22.2.
Variant type: single nucleotide variant.
Coding change: c.3599G>A on transcript NM_014003.4 (MANE Select); coding-DNA position 3599, G replaced by A.
Protein change: p.Arg1200Lys; replaces arginine 1200 with lysine.
Molecular consequence: missense variant.
Genome position (GRCh38, 1-based): chr16:72,111,077, G>A. VCF-style: chr16-72111077-G-A. GRCh37 (hg19) VCF-style: chr16-72144976-G-A.
Other names: short protein forms R1200K.
Identifiers: ClinVar variation 965541 (VCV000965541.9), dbSNP rs779997031, ClinGen allele CA8161037.

ClinVar aggregate classification (germline): Uncertain significance. Review status: criteria provided, multiple submitters, no conflicts (2 of 4 stars). 2 submissions from 2 submitters: Uncertain significance (2). Last evaluated 2024-10-26.

Allele frequency attached by ClinVar (database versions not stated): ExAC below 0.00001; gnomAD 0.00003 and 0.00004; gnomAD exomes 0.00003 and 0.00014; TOPMed 0.00004.
gnomAD v4.1: 197 of 1,558,142 alleles (0.013%); highest among the groups gnomAD compares: Non-Finnish European, 0.017%; no homozygotes.

Submissions (2):

Labcorp Genetics (formerly Invitae), Labcorp
Classification: Uncertain significance. Last evaluated: 2024-10-26. Review status: criteria provided, single submitter. Criteria: Invitae Variant Classification Sherloc (09022015). Collection method: clinical testing. Allele origin: germline.
Comment: This sequence change replaces arginine, which is basic and polar, with lysine, which is basic and polar, at codon 1200 of the DHX38 protein (p.Arg1200Lys). This variant is present in population databases (rs779997031, gnomAD 0.008%). This variant has not been reported in the literature in individuals affected with DHX38-related conditions. ClinVar contains an entry for this variant (Variation ID: 965541). An algorithm developed to predict the effect of missense changes on protein structure and function outputs the following: PolyPhen-2: "Benign". The lysine amino acid residue is found in multiple mammalian species, which suggests that this missense change does not adversely affect protein function. In summary, the available evidence is currently insufficient to determine the role of this variant in disease. Therefore, it has been classified as a Variant of Uncertain Significance.

Blueprint Genetics
Classification: Uncertain significance. Last evaluated: 2022-03-14. Review status: criteria provided, single submitter. Criteria: ACMG Guidelines, 2015. Collection method: clinical testing. Allele origin: germline.